The following is an entry in ClinVar:

ClinVar aggregate classification (germline): Uncertain significance (1 of 4 stars; one submission).

Submission:

Labcorp Genetics (formerly Invitae), Labcorp
Classification: Uncertain significance. Last evaluated: 2022-02-19. Review status: criteria provided, single submitter. Criteria: Invitae Variant Classification Sherloc (09022015). Collection method: clinical testing. Allele origin: germline.
Comment: In summary, the available evidence is currently insufficient to determine the role of this variant in disease. Therefore, it has been classified as a Variant of Uncertain Significance. Algorithms developed to predict the effect of missense changes on protein structure and function (SIFT, PolyPhen-2, Align-GVGD) all suggest that this variant is likely to be disruptive. This variant has not been reported in the literature in individuals affected with MCM3AP-related conditions. This variant is not present in population databases (gnomAD no frequency). This sequence change replaces glutamic acid, which is acidic and polar, with glutamine, which is neutral and polar, at codon 571 of the MCM3AP protein (p.Glu571Gln).

NM_003906.5(MCM3AP):c.1711G>C (p.Glu571Gln)

Gene: MCM3AP (minichromosome maintenance complex component 3 associated protein; minus strand). Cytogenetic location: 21q22.3.
Variant type: single nucleotide variant.
Coding change: c.1711G>C on transcript NM_003906.5 (MANE Select); coding-DNA position 1711, G replaced by C.
Protein change: p.Glu571Gln; replaces glutamic acid 571 with glutamine.
Molecular consequence: missense variant.
Genome position (GRCh38, 1-based): chr21:46,277,674, C>G on the plus strand (G>C on the coding strand, the complement: MCM3AP is on the minus strand). VCF-style: chr21-46277674-C-G. GRCh37 (hg19) VCF-style: chr21-47697588-C-G.
Other names: short protein forms E571Q.
Identifiers: ClinVar variation 2099179 (VCV002099179.4), dbSNP rs767712905, ClinGen allele CA410527877.